The following is an entry in ClinVar:

NM_001267550.2(TTN):c.104192A>G (p.Tyr34731Cys)

Genes: TTN-AS1 (TTN antisense RNA 1; plus strand), TTN (titin; minus strand). Cytogenetic location: 2q31.2.
Variant type: single nucleotide variant.
Coding change: c.104192A>G on transcript NM_001267550.2 (MANE Select); coding-DNA position 104192, A replaced by G.
Protein change: p.Tyr34731Cys; replaces tyrosine 34731 with cysteine.
Molecular consequence: missense variant.
Genome position (GRCh38, 1-based): chr2:178,532,423, T>C on the plus strand (A>G on the coding strand, the complement: TTN is on the minus strand). VCF-style: chr2-178532423-T-C. GRCh37 (hg19) VCF-style: chr2-179397150-T-C.
Other names: c.99269A>G, p.Tyr33090Cys (NM_001256850.1); c.76997A>G, p.Tyr25666Cys (NM_003319.4); c.77372A>G, p.Tyr25791Cys (NM_133432.3); c.77573A>G, p.Tyr25858Cys (NM_133437.4); c.96488A>G, p.Tyr32163Cys (NM_133378.4); short protein forms Y34731C, Y32163C, Y33090C, Y25666C, Y25858C, Y25791C.
Identifiers: ClinVar variation 47666 (VCV000047666.11), dbSNP rs397517789, ClinGen allele CA141652.

ClinVar aggregate classification (germline): Uncertain significance. Review status: criteria provided, multiple submitters, no conflicts (2 of 4 stars). 3 submissions from 3 submitters: Uncertain significance (3). Last evaluated 2025-09-11.

Conditions:
Dilated cardiomyopathy 1G (CMD1G). Identifiers: Orphanet 154, MedGen C1858763, MONDO:0011400, OMIM 604145.
Autosomal recessive limb-girdle muscular dystrophy type 2J (LGMDR10). Also called: Limb-girdle muscular dystrophy, type 2J; MUSCULAR DYSTROPHY, LIMB-GIRDLE, AUTOSOMAL RECESSIVE 10. Identifiers: Orphanet 140922, MedGen C1837342, MONDO:0012127, OMIM 608807.

Allele frequency attached by ClinVar (database versions not stated): gnomAD 0.00001; TOPMed 0.00001; gnomAD exomes 0.00002 and 0.00004; ExAC 0.00003.
gnomAD v4.1: 29 of 1,613,908 alleles (0.0018%); highest among the groups gnomAD compares: South Asian, 0.022%; no homozygotes.

Submissions (3):

Labcorp Genetics (formerly Invitae), Labcorp
Classification: Uncertain significance for Dilated cardiomyopathy 1G; Autosomal recessive limb-girdle muscular dystrophy type 2J. Last evaluated: 2025-09-11. Review status: criteria provided, single submitter. Criteria: Invitae Variant Classification Sherloc (09022015). Collection method: clinical testing. Allele origin: germline.
Comment: This sequence change replaces tyrosine, which is neutral and polar, with cysteine, which is neutral and slightly polar, at codon 34731 of the TTN protein (p.Tyr34731Cys). This variant is present in population databases (rs397517789, gnomAD 0.04%). This variant has not been reported in the literature in individuals affected with TTN-related conditions. ClinVar contains an entry for this variant (Variation ID: 47666). Experimental studies and prediction algorithms are not available or were not evaluated, and the functional significance of this variant is currently unknown. This variant is located in the M band of TTN (PMID: 25589632). Non-truncating variants in this region may be relevant for neuromuscular disorders, but have not been definitively shown to cause cardiomyopathy (PMID: 23975875). In summary, the available evidence is currently insufficient to determine the role of this variant in disease. Therefore, it has been classified as a Variant of Uncertain Significance.

Revvity Omics, Revvity
Classification: Uncertain significance. Last evaluated: 2024-10-03. Review status: criteria provided, single submitter. Criteria: ACMG Guidelines, 2015. Collection method: clinical testing. Allele origin: germline.

Laboratory for Molecular Medicine, Mass General Brigham Personalized Medicine
Classification: Uncertain significance. Last evaluated: 2012-08-21. Review status: criteria provided, single submitter. Criteria: LMM Criteria. Collection method: clinical testing. Allele origin: germline. Observed: 1 variant allele.
Comment: The Tyr32163Cys variant in TTN has not been reported in the literature nor previ ously identified in our laboratory. Computational analyses (biochemical amino ac id properties, conservation, PolyPhen2, and SIFT) suggest that the variant may i mpact the protein, though this information is not predictive enough to determine pathogenicity. Additional studies are needed to fully assess the clinical signi ficance of this variant.

Literature cited by the submitters: PubMed 25589632 (cited by Labcorp Genetics (formerly Invitae), Labcorp); PubMed 23975875 (cited by Labcorp Genetics (formerly Invitae), Labcorp).